The following is an entry in ClinVar:

ClinVar aggregate classification (germline): Uncertain significance (1 of 4 stars; one submission).

Conditions:
Kabuki syndrome. Also called: NIIKAWA-KUROKI SYNDROME; Kabuki make-up syndrome. Identifiers: Orphanet 2322, MedGen C0796004, MONDO:0016512.

Submission:

Labcorp Genetics (formerly Invitae), Labcorp
Classification: Uncertain significance for Kabuki syndrome. Last evaluated: 2022-11-08. Review status: criteria provided, single submitter. Criteria: Invitae Variant Classification Sherloc (09022015). Collection method: clinical testing. Allele origin: germline.
Comment: In summary, the available evidence is currently insufficient to determine the role of this variant in disease. Therefore, it has been classified as a Variant of Uncertain Significance. Experimental studies and prediction algorithms are not available or were not evaluated, and the functional significance of this variant is currently unknown. This variant has not been reported in the literature in individuals affected with KMT2D-related conditions. This variant is present in population databases (no rsID available, gnomAD 0.001%). This variant, c.2470_2523del, results in the deletion of 18 amino acid(s) of the KMT2D protein (p.Gln827_Pro844del), but otherwise preserves the integrity of the reading frame.

NM_003482.4(KMT2D):c.2470_2523del (p.Gln827_Pro844del)

Gene: KMT2D (lysine methyltransferase 2D; minus strand). Cytogenetic location: 12q13.12.
Variant type: Deletion.
Coding change: c.2470_2523del on transcript NM_003482.4 (MANE Select); coding-DNA positions 2470 to 2523, 54 bases deleted.
Protein change: p.Gln827_Pro844del.
Molecular consequence: inframe deletion.
Genome position (GRCh38, 1-based): chr12:49,051,160-49,051,213, 54 bases deleted. GRCh37 (hg19): chr12:49,444,957-49,445,010.
Identifiers: ClinVar variation 2028308 (VCV002028308.4), dbSNP rs1565816363, ClinGen allele CA6548245.